The following is an entry in ClinVar:

NM_000020.3(ACVRL1):c.1362del (p.Leu455fs)

Gene: ACVRL1 (activin A receptor like type 1; plus strand). Cytogenetic location: 12q13.13.
Variant type: Deletion.
Coding change: c.1362del on transcript NM_000020.3 (MANE Select); coding-DNA position 1362, one base deleted (G; older notation c.1362delG).
Protein change: p.Leu455fs; shifts the reading frame from leucine 455.
Molecular consequence: frameshift variant.
Genome position (GRCh38, 1-based): chr12:51,919,100, G deleted; the last of 2 consecutive G bases (chr12:51,919,099-51,919,100); deleting either gives the same sequence. VCF-style (leftmost placement, unchanged base first): chr12-51919098-CG-C. GRCh37 (hg19) VCF-style: chr12-52312882-CG-C.
Other names: c.1362delG (NM_000020.3); c.1362del, p.Leu455fs (NM_001077401.2, NM_001406487.1, NM_001406488.1 and 1 more transcripts); c.1206del, p.Leu403fs (NM_001406490.1); c.1050del, p.Leu351fs (NM_001406491.1, NM_001406492.1, NM_001406493.1); c.852del, p.Leu285fs (NM_001406494.1); c.798del, p.Leu267fs (NM_001406495.1); short protein forms L267fs, L285fs, L351fs, L403fs, L455fs.
Identifiers: ClinVar variation 3068661 (VCV003068661.1), dbSNP rs2540170898, ClinGen allele CA2573320795.

ClinVar aggregate classification (germline): Likely pathogenic (1 of 4 stars; one submission).

Conditions:
Hereditary hemorrhagic telangiectasia (HHT). Also called: ORW DISEASE; Osler Weber Rendu syndrome; OSLER-RENDU-WEBER DISEASE; Osler hemorrhagic telangiectasia syndrome. Identifiers: Orphanet 774, MedGen C0039445, MONDO:0019180. Disease mechanism: loss of function.

Submission:

Molecular Genetics, Royal Melbourne Hospital
Classification: Likely pathogenic for Hereditary hemorrhagic telangiectasia. Last evaluated: 2023-03-30. Review status: criteria provided, single submitter. Criteria: ACMG Guidelines, 2015. Collection method: clinical testing. Allele origin: germline. Affected: yes.
Comment: This sequence change in ACVRL1 is a frameshift variant predicted to cause a premature stop codon, p.(Leu455Trpfs*10), that is predicted to escape nonsense-mediated decay and remove <10% of the protein, however it is a truncation of a functionally important region (protein kinase domain) in a gene where loss-of-function is an established disease mechanism. This variant is absent from the population database gnomAD v2.1 and v3.1. To our knowledge, this variant has not been reported in the literature. Based on the classification scheme RMH Modified ACMG Guidelines v1.5.1, this variant is classified as LIKELY PATHOGENIC. Following criteria are met: PVS1_Strong, PS4_Supporting, PM2_Supporting.